The following is an entry in ClinVar:

NM_016222.4(DDX41):c.435-2_435-1delinsCA

Gene: DDX41 (DEAD-box helicase 41; minus strand). Cytogenetic location: 5q35.3.
Variant type: Indel.
Coding change: c.435-2_435-1delinsCA on transcript NM_016222.4 (MANE Select); the canonical splice acceptor site of the intron before coding-DNA position 435, AG replaced by CA.
Molecular consequence: splice acceptor variant.
Genome position (GRCh38, 1-based): chr5:177,515,822-177,515,823, CT replaced by TG on the plus strand (AG replaced by CA on the coding strand, the reverse complement: DDX41 is on the minus strand). VCF-style: chr5-177515822-CT-TG. GRCh37 (hg19) VCF-style: chr5-176942823-CT-TG.
Other names: EX6DEL; c.57-2_57-1delinsCA (NM_001321830.2, NM_001321732.2).
Identifiers: ClinVar variation 224636 (VCV000224636.13), dbSNP rs869320762, ClinGen allele CA351429.

ClinVar aggregate classification (germline): Pathogenic/Likely pathogenic. Review status: criteria provided, multiple submitters, no conflicts (2 of 4 stars). 5 submissions from 5 submitters: Pathogenic (2); Likely pathogenic (2). 1 of the submissions does not count toward it. Last evaluated 2025-09-17.

Conditions:
DDX41-related hematologic malignancy predisposition syndrome. Also called: Myeloproliferative/lymphoproliferative neoplasms, familial (multiple types), susceptibility to; DDX41-Associated Familial Myelodysplastic Syndrome and Acute Myeloid Leukemia. Identifiers: Orphanet 488647, MedGen C4225174, MONDO:0014809, OMIM 616871.
Inborn genetic diseases. Identifiers: MedGen C0950123, MeSH D030342.

Submissions (5):

Labcorp Genetics (formerly Invitae), Labcorp
Classification: Pathogenic. Last evaluated: 2025-09-17. Review status: criteria provided, single submitter. Criteria: Invitae Variant Classification Sherloc (09022015). Collection method: clinical testing. Allele origin: germline.
Comment: This sequence change affects a splice site in intron 5 of the DDX41 gene. RNA analysis indicates that disruption of this splice site induces altered splicing and may result in an absent or altered protein product. Information on the frequency of this variant in the gnomAD database is not available, as this variant may be reported differently in the database. Disruption of this splice site has been observed in individuals with DDX41-related conditions (PMID: 26712909, 32054657, 33850299, 37406166, 37665752). ClinVar contains an entry for this variant (Variation ID: 224636). Studies have shown that disruption of this splice site results in skipping of exon 6 and/or partial retention of intron 6, and produces a non-functional protein and/or introduces a premature termination codon (PMID: 26712909). For these reasons, this variant has been classified as Pathogenic.

Ambry Genetics
Classification: Likely pathogenic for Inborn genetic diseases. Last evaluated: 2025-04-25. Review status: criteria provided, single submitter. Criteria: Ambry Variant Classification Scheme 2023. Collection method: clinical testing. Allele origin: germline.
Comment: The c.435-2_435-1delAGinsCA intronic variant, located in intron 5 of the DDX41 gene, results from an in-frame from the deletion of two nucleotides and the insertion of two nucleotides at nucleotide position 435. In silico splice site analysis predicts that this alteration may result in the creation or strengthening of a novel splice acceptor site; however, direct evidence is insufficient at this time (Ambry internal data). An RT-PCR assay demonstrated that this variant leads to exon 6 skipping and/or partial retention of intron 6 and 7, resulting in an out-of-frame transcript (Lewinsohn M et al. Blood, 2016 Feb;127:1017-23). This variant was reported in individual(s) with features consistent with DDX41-related hematologic malignancy predisposition syndrome (Singhal D et al. Leukemia, 2021 Nov;35:3245-3256; Lewinsohn M et al. Blood, 2016 Feb;127:1017-23; Blombery P et al. Haematologica, 2021 Jan;106:64-73). This variant is considered to be rare based on population cohorts in the Genome Aggregation Database (gnomAD). Based on the majority of available evidence to date, this variant is likely to be pathogenic.

GeneDx
Classification: Pathogenic. Last evaluated: 2024-01-14. Review status: criteria provided, single submitter. Criteria: GeneDx Variant Classification Process June 2021. Collection method: clinical testing. Allele origin: germline. Affected: yes.
Comment: Canonical splice site variant demonstrated to result in aberrant splicing resulting in a null allele in a gene for which loss of function is a known mechanism of disease (PMID: 26712909); Not observed at significant frequency in large population cohorts (gnomAD); This variant is associated with the following publications: (PMID: 28637623, 32054657, 26712909, 33850299)

Genetic Services Laboratory, University of Chicago
Classification: Likely pathogenic. Last evaluated: 2015-12-04. Review status: criteria provided, single submitter. Criteria: ACMG Guidelines, 2015. Collection method: clinical testing. Allele origin: germline. Affected: yes.
Comment: This sequence change affects the canonical acceptor splice site of intron 5 and is predicted to result in an abnormal transcript, which may be degraded, or may lead to the production of a truncated DDX41 protein with potentially abnormal function. This sequence change appears to be novel and does not appear to have been described in patients or the normal population databases. This sequence change is predicted to be likely pathogenic, however functional studies have not been performed to prove this conclusively. Germline mutations in DDX41 are associated with the development of hereditary myelodysplastic syndrome and acute myeloid leukemia. Our interpretation is based on the current understanding of the genetics of DDX41-related myeloid neoplasms.

OMIM
Classification: risk factor for MYELOPROLIFERATIVE/LYMPHOPROLIFERATIVE NEOPLASMS, FAMILIAL (MULTIPLE TYPES), SUSCEPTIBILITY TO. Last evaluated: 2023-03-16. Review status: no assertion criteria provided. Collection method: literature only. Allele origin: germline. Not counted in ClinVar's aggregate classification.

Literature cited by the submitters: PubMed 26712909 (cited by 3 submitters); PubMed 32054657 (cited by Labcorp Genetics (formerly Invitae), Labcorp and Ambry Genetics); PubMed 33850299 (cited by Labcorp Genetics (formerly Invitae), Labcorp and Ambry Genetics); PubMed 37406166 (cited by Labcorp Genetics (formerly Invitae), Labcorp); PubMed 37665752 (cited by Labcorp Genetics (formerly Invitae), Labcorp).